The following is an entry in ClinVar:

ClinVar aggregate classification (germline): Uncertain significance (1 of 4 stars; one submission).

Conditions:
D-2-hydroxyglutaric aciduria 2 (D2HGA2). Identifiers: Orphanet 79315, MedGen C3150909, MONDO:0013345, OMIM 613657.

Allele frequency attached by ClinVar (database versions not stated): gnomAD 0.00001.
gnomAD v4.1: 13 of 1,614,082 alleles (0.00081%); highest among the groups gnomAD compares: South Asian, 0.0033%; no homozygotes.

Submission:

Labcorp Genetics (formerly Invitae), Labcorp
Classification: Uncertain significance for D-2-hydroxyglutaric aciduria 2. Last evaluated: 2023-06-20. Review status: criteria provided, single submitter. Criteria: Invitae Variant Classification Sherloc (09022015). Collection method: clinical testing. Allele origin: germline.
Comment: Advanced modeling of protein sequence and biophysical properties (such as structural, functional, and spatial information, amino acid conservation, physicochemical variation, residue mobility, and thermodynamic stability) performed at Invitae indicates that this missense variant is expected to disrupt IDH2 protein function. In summary, the available evidence is currently insufficient to determine the role of this variant in disease. Therefore, it has been classified as a Variant of Uncertain Significance. This sequence change replaces arginine, which is basic and polar, with cysteine, which is neutral and slightly polar, at codon 159 of the IDH2 protein (p.Arg159Cys). This variant is present in population databases (no rsID available, gnomAD 0.006%). This variant has not been reported in the literature in individuals affected with IDH2-related conditions.

NM_002168.4(IDH2):c.475C>T (p.Arg159Cys)

Gene: IDH2 (isocitrate dehydrogenase (NADP(+)) 2; minus strand). Cytogenetic location: 15q26.1.
Variant type: single nucleotide variant.
Coding change: c.475C>T on transcript NM_002168.4 (MANE Select); coding-DNA position 475, C replaced by T.
Protein change: p.Arg159Cys; replaces arginine 159 with cysteine.
Molecular consequence: missense variant.
Genome position (GRCh38, 1-based): chr15:90,088,646, G>A on the plus strand (C>T on the coding strand, the complement: IDH2 is on the minus strand). VCF-style: chr15-90088646-G-A. GRCh37 (hg19) VCF-style: chr15-90631878-G-A.
Other names: c.319C>T, p.Arg107Cys (NM_001289910.1); c.85C>T, p.Arg29Cys (NM_001290114.2); short protein forms R159C, R107C, R29C.
Identifiers: ClinVar variation 2867341 (VCV002867341.3), dbSNP rs1319035463, ClinGen allele CA393802315.